The following is an entry in ClinVar:

NM_001382.4(DPAGT1):c.1037A>G (p.His346Arg)

Gene: DPAGT1 (dolichyl-phosphate N-acetylglucosaminephosphotransferase 1; minus strand). Cytogenetic location: 11q23.3.
Variant type: single nucleotide variant.
Coding change: c.1037A>G on transcript NM_001382.4 (MANE Select); coding-DNA position 1037, A replaced by G.
Protein change: p.His346Arg; replaces histidine 346 with arginine.
Molecular consequence: missense variant.
Genome position (GRCh38, 1-based): chr11:119,097,266, T>C on the plus strand (A>G on the coding strand, the complement: DPAGT1 is on the minus strand). VCF-style: chr11-119097266-T-C. GRCh37 (hg19) VCF-style: chr11-118967976-T-C.
Other names: c.1037A>G (NM_001382.3); short protein forms H346R.
Identifiers: ClinVar variation 1035230 (VCV001035230.9), dbSNP rs1301940016, ClinGen allele CA382908871.

ClinVar aggregate classification (germline): Conflicting classifications of pathogenicity. Review status: criteria provided, conflicting classifications (1 of 4 stars). 2 submissions from 2 submitters: Uncertain significance (1); Likely benign (1). Last evaluated 2022-12-15.

Conditions:
Congenital myasthenic syndrome 13 (CMS13). Also called: Myasthenic syndrome, congenital, with tubular aggregates 2; Myasthenic syndrome, congenital, 13, with tubular aggregates. Identifiers: Orphanet 353327, Orphanet 590, MedGen C3553645, MONDO:0013883, OMIM 614750.
DPAGT1-congenital disorder of glycosylation. Also called: DPAGT1-CDG; CONGENITAL DISORDER OF GLYCOSYLATION, TYPE Ij; CDG Ij. Identifiers: Orphanet 86309, MedGen C2931004, MONDO:0011964, OMIM 608093.
Inborn genetic diseases. Identifiers: MedGen C0950123, MeSH D030342.

Allele frequency attached by ClinVar (database versions not stated): gnomAD exomes below 0.00001; gnomAD 0.00001; TOPMed 0.00001.
gnomAD v4.1: 7 of 1,614,096 alleles (0.00043%); highest among the groups gnomAD compares: African/African-American, 0.0013%; no homozygotes.

Submissions (2):

Ambry Genetics
Classification: Likely benign for Inborn genetic diseases. Last evaluated: 2022-12-15. Review status: criteria provided, single submitter. Criteria: Ambry Variant Classification Scheme 2023. Collection method: clinical testing. Allele origin: germline.

Labcorp Genetics (formerly Invitae), Labcorp
Classification: Uncertain significance for Congenital myasthenic syndrome 13; DPAGT1-congenital disorder of glycosylation. Last evaluated: 2022-06-13. Review status: criteria provided, single submitter. Criteria: Invitae Variant Classification Sherloc (09022015). Collection method: clinical testing. Allele origin: germline.
Comment: ClinVar contains an entry for this variant (Variation ID: 1035230). This sequence change replaces histidine, which is basic and polar, with arginine, which is basic and polar, at codon 346 of the DPAGT1 protein (p.His346Arg). This variant is not present in population databases (gnomAD no frequency). This variant has not been reported in the literature in individuals affected with DPAGT1-related conditions. Algorithms developed to predict the effect of missense changes on protein structure and function output the following: SIFT: "Tolerated"; PolyPhen-2: "Benign"; Align-GVGD: "Class C0". The arginine amino acid residue is found in multiple mammalian species, which suggests that this missense change does not adversely affect protein function. In summary, the available evidence is currently insufficient to determine the role of this variant in disease. Therefore, it has been classified as a Variant of Uncertain Significance.